The following is an entry in ClinVar:

ClinVar aggregate classification (germline): Uncertain significance (1 of 4 stars; one submission).

Conditions:
Meckel syndrome, type 11 (MKS11). Identifiers: Orphanet 564, MedGen C3809352, MONDO:0014164, OMIM 615397.
Joubert syndrome 20 (JBTS20). Identifiers: Orphanet 475, MedGen C3554235, MONDO:0013994, OMIM 614970.

Allele frequency attached by ClinVar (database versions not stated): gnomAD exomes 0.00001 and 0.00002; TOPMed 0.00001; ExAC 0.00002.
gnomAD v4.1: 5 of 1,613,778 alleles (0.00031%); highest among the groups gnomAD compares: Admixed American, 0.0083%; no homozygotes.

Submission:

Labcorp Genetics (formerly Invitae), Labcorp
Classification: Uncertain significance for Joubert syndrome 20; Meckel syndrome, type 11. Last evaluated: 2022-08-13. Review status: criteria provided, single submitter. Criteria: Invitae Variant Classification Sherloc (09022015). Collection method: clinical testing. Allele origin: germline.
Comment: In summary, the available evidence is currently insufficient to determine the role of this variant in disease. Therefore, it has been classified as a Variant of Uncertain Significance. Algorithms developed to predict the effect of missense changes on protein structure and function are either unavailable or do not agree on the potential impact of this missense change (SIFT: "Deleterious"; PolyPhen-2: "Not Available"; Align-GVGD: "Class C0"). ClinVar contains an entry for this variant (Variation ID: 1423299). This variant has not been reported in the literature in individuals affected with TMEM231-related conditions. This variant is present in population databases (rs761280513, gnomAD 0.01%). This sequence change replaces glutamine, which is neutral and polar, with glutamic acid, which is acidic and polar, at codon 348 of the TMEM231 protein (p.Gln348Glu).

NM_001077418.3(TMEM231):c.883C>G (p.Gln295Glu)

Gene: TMEM231 (transmembrane protein 231; minus strand). Cytogenetic location: 16q23.1.
Variant type: single nucleotide variant.
Coding change: c.883C>G on transcript NM_001077418.3 (MANE Select); coding-DNA position 883, C replaced by G.
Protein change: p.Gln295Glu; replaces glutamine 295 with glutamic acid.
Molecular consequence: missense variant. On other transcripts: non-coding transcript variant (1).
Genome position (GRCh38, 1-based): chr16:75,540,062, G>C on the plus strand (C>G on the coding strand, the complement: TMEM231 is on the minus strand). VCF-style: chr16-75540062-G-C. GRCh37 (hg19) VCF-style: chr16-75573960-G-C.
Other names: c.1042C>G, p.Gln348Glu (NM_001077416.2); short protein forms Q295E, Q348E.
Identifiers: ClinVar variation 1423299 (VCV001423299.5), dbSNP rs761280513, ClinGen allele CA8176001.